The following is an entry in ClinVar:

ClinVar aggregate classification (germline): Pathogenic (1 of 4 stars; one submission).

Conditions:
Hereditary cancer-predisposing syndrome. Also called: Neoplastic Syndromes, Hereditary; Tumor predisposition; Hereditary Cancer Syndrome; Hereditary neoplastic syndrome. Identifiers: Orphanet 140162, MedGen C0027672, MeSH D009386, MONDO:0015356.

Submission:

Ambry Genetics
Classification: Pathogenic for Hereditary cancer-predisposing syndrome. Last evaluated: 2021-12-15. Review status: criteria provided, single submitter. Criteria: Ambry Variant Classification Scheme 2023. Collection method: clinical testing. Allele origin: germline.
Comment: The c.3298_3306+3del12 pathogenic mutation results from a deletion of 12 nucleotides between positions 3298 and 3306+3 and involves the canonical splice donor site after coding exon 19 of the PTCH1 gene. Alterations that disrupt the canonical splice site are expected to result in aberrant splicing. In silico splice site analysis predicts that this alteration will weaken the native splice donor site; however, direct evidence is insufficient at this time (Ambry internal data). This alteration has been identified in at least one individual meeting diagnostic criteria for nevoid basal cell-carcinoma syndrome (Gorlin syndrome) (Ambry internal data). This variant is considered to be rare based on population cohorts in the Genome Aggregation Database (gnomAD). Alterations that disrupt the canonical splice site are expected to cause aberrant splicing, resulting in an abnormal protein or a transcript that is subject to nonsense-mediated mRNA decay. As such, this alteration is interpreted as a disease-causing mutation.

NM_000264.5(PTCH1):c.3298_3306+3del

Gene: PTCH1 (patched 1; minus strand). Cytogenetic location: 9q22.32.
Variant type: Deletion.
Coding change: c.3298_3306+3del on transcript NM_000264.5 (MANE Select); coding-DNA position 3298 through 3 bases into the intron after coding-DNA position 3306, 12 bases deleted (GTTGCTTTGGTA).
Molecular consequence: splice donor variant.
Genome position (GRCh38, 1-based): chr9:95,456,273-95,456,284, TACCAAAGCAAC deleted on the plus strand (GTTGCTTTGGTA on the coding strand, the reverse complement: PTCH1 is on the minus strand). VCF-style (leftmost placement, unchanged base first): chr9-95456272-ATACCAAAGCAAC-A. GRCh37 (hg19) VCF-style: chr9-98218554-ATACCAAAGCAAC-A.
Other names: c.3142_3150+3del (NM_001354918.2); c.2845_2853+3del (NM_001083605.3, NM_001083604.3, NM_001083606.3 and 1 more transcripts); c.3295_3303+3del (NM_001083603.3); c.3100_3108+3del (NM_001083602.3).
Identifiers: ClinVar variation 1729902 (VCV001729902.2), dbSNP rs2538055619, ClinGen allele CA2580081267.